The following is an entry in ClinVar:

ClinVar aggregate classification (germline): Uncertain significance (1 of 4 stars; one submission).

Conditions:
Brugada syndrome. Also called: Sudden Unexplained Death Syndrome; Sudden Unexplained Nocturnal Death Syndrome (SUNDS); Sudden unexpected nocturnal death syndrome; Sudden unexplained nocturnal death syndrome. Identifiers: Orphanet 130, MedGen C1142166, MONDO:0015263.

Allele frequency attached by ClinVar (database versions not stated): gnomAD 0.00001; gnomAD exomes 0.00001; TOPMed 0.00001.
gnomAD v4.1: 10 of 1,613,872 alleles (0.00062%); highest among the groups gnomAD compares: South Asian, 0.0011%; no homozygotes.

Submission:

Labcorp Genetics (formerly Invitae), Labcorp
Classification: Uncertain significance for Brugada syndrome. Last evaluated: 2022-06-23. Review status: criteria provided, single submitter. Criteria: Invitae Variant Classification Sherloc (09022015). Collection method: clinical testing. Allele origin: germline.
Comment: In summary, the available evidence is currently insufficient to determine the role of this variant in disease. Therefore, it has been classified as a Variant of Uncertain Significance. Advanced modeling of protein sequence and biophysical properties (such as structural, functional, and spatial information, amino acid conservation, physicochemical variation, residue mobility, and thermodynamic stability) performed at Invitae indicates that this missense variant is expected to disrupt SCN10A protein function. This variant has not been reported in the literature in individuals affected with SCN10A-related conditions. This variant is present in population databases (no rsID available, gnomAD 0.01%). This sequence change replaces valine, which is neutral and non-polar, with isoleucine, which is neutral and non-polar, at codon 196 of the SCN10A protein (p.Val196Ile).

NM_006514.4(SCN10A):c.586G>A (p.Val196Ile)

Gene: SCN10A (sodium voltage-gated channel alpha subunit 10; minus strand). Cytogenetic location: 3p22.2.
Variant type: single nucleotide variant.
Coding change: c.586G>A on transcript NM_006514.4 (MANE Select); coding-DNA position 586, G replaced by A.
Protein change: p.Val196Ile; replaces valine 196 with isoleucine.
Molecular consequence: missense variant.
Genome position (GRCh38, 1-based): chr3:38,771,292, C>T on the plus strand (G>A on the coding strand, the complement: SCN10A is on the minus strand). VCF-style: chr3-38771292-C-T. GRCh37 (hg19) VCF-style: chr3-38812783-C-T.
Other names: c.586G>A, p.Val196Ile (NM_001293306.2, NM_001293307.2); short protein forms V196I.
Identifiers: ClinVar variation 2191378 (VCV002191378.4), dbSNP rs1294999278, ClinGen allele CA352156079.